The following is an entry in ClinVar:

NM_000479.5(AMH):c.1657G>T (p.Val553Leu)

Gene: AMH (anti-Mullerian hormone; plus strand). Cytogenetic location: 19p13.3.
Variant type: single nucleotide variant.
Coding change: c.1657G>T on transcript NM_000479.5 (MANE Select); coding-DNA position 1657, G replaced by T.
Protein change: p.Val553Leu; replaces valine 553 with leucine.
Molecular consequence: missense variant.
Genome position (GRCh38, 1-based): chr19:2,251,931, G>T. VCF-style: chr19-2251931-G-T. GRCh37 (hg19) VCF-style: chr19-2251930-G-T.
Other names: c.1657G>T (NM_000479.4); short protein forms V553L.
Identifiers: ClinVar variation 2038298 (VCV002038298.3), dbSNP rs770189890, ClinGen allele CA9063141.
Genomic context (GRCh38, chr19:2,251,931, plus strand): 5'-GGCAAGCTGCTCATCAGCCTGTCGGAGGAGCGCATCAGCGCGCACCACGTGCCCAACATG[G>T]TGGCCACCGAGTGTGGCTGCCGGTGACCCCTGCGCCGCGCGGACTCCTGCCCCGAGGGTC-3'
Protein context (NP_000470.3, residues 543-560): RISAHHVPNM[Val553Leu]ATECGCR

ClinVar aggregate classification (germline): Uncertain significance. Review status: criteria provided, multiple submitters, no conflicts (2 of 4 stars). 3 submissions from 3 submitters: Uncertain significance (3). Last evaluated 2026-08-27.

Conditions:
AMH-related disorder. Also called: AMH-related condition.

Allele frequency attached by ClinVar (database versions not stated): gnomAD 0.00031; ExAC 0.00050.
gnomAD v4.1: 759 of 1,553,412 alleles (0.049%); highest among the groups gnomAD compares: Middle Eastern, 0.18%; 1 homozygote.

Submissions (3):

PreventionGenetics, part of Exact Sciences
Classification: Uncertain significance for AMH-related condition. Last evaluated: 2026-08-27. Review status: criteria provided, single submitter. Criteria: ACMG Guidelines, 2015. Collection method: clinical testing. Allele origin: germline.
Comment: The AMH c.1657G>T variant is predicted to result in the amino acid substitution p.Val553Leu. This variant, described as G1876T V553L using alternate nomenclature, has been reported in the heterozygous state in an individual with polycystic ovary syndrome and also along with a second AMH variant in a control case (Gorsic et al. 2017. PubMed ID: 28505284). Experimental studies using COS7 cells showed this variant had an 8% decrease in AMH signaling (Gorsic et al. 2017. PubMed ID: 28505284). This variant is reported in 0.061% of alleles in individuals of European (Non-Finnish) descent in gnomAD. At this time, the clinical significance of this variant is uncertain due to the absence of conclusive functional and genetic evidence.

Blueprint Genetics
Classification: Uncertain significance. Last evaluated: 2024-07-12. Review status: criteria provided, single submitter. Criteria: ACMG Guidelines, 2015. Collection method: clinical testing. Allele origin: germline.

Labcorp Genetics (formerly Invitae), Labcorp
Classification: Uncertain significance. Last evaluated: 2022-03-19. Review status: criteria provided, single submitter. Criteria: Invitae Variant Classification Sherloc (09022015). Collection method: clinical testing. Allele origin: germline.
Comment: This sequence change replaces valine, which is neutral and non-polar, with leucine, which is neutral and non-polar, at codon 553 of the AMH protein (p.Val553Leu). This variant is present in population databases (rs770189890, gnomAD 0.06%). This missense change has been observed in individual(s) with persistent M√ºllerian duct syndrome (Invitae). Algorithms developed to predict the effect of missense changes on protein structure and function are either unavailable or do not agree on the potential impact of this missense change (SIFT: "Not Available"; PolyPhen-2: "Probably Damaging"; Align-GVGD: "Not Available"). Experimental studies have shown that this missense change does not substantially affect AMH function (PMID: 28505284). In summary, the available evidence is currently insufficient to determine the role of this variant in disease. Therefore, it has been classified as a Variant of Uncertain Significance.

Literature cited by the submitters: PubMed 28505284 (cited by Labcorp Genetics (formerly Invitae), Labcorp).